The following is an entry in ClinVar:

ClinVar aggregate classification (germline): Likely benign (1 of 4 stars; one submission).

gnomAD v4.1: 2 of 1,530,582 alleles (0.00013%); highest among the groups gnomAD compares: Non-Finnish European, 0.00017%; no homozygotes.

Submission:

CeGaT Center for Human Genetics Tuebingen
Classification: Likely benign. Last evaluated: 2024-11-01. Review status: criteria provided, single submitter. Criteria: CeGaT Center For Human Genetics Tuebingen Variant Classification Criteria Version 2. Collection method: clinical testing. Allele origin: germline. Affected: yes. Observed: 1 variant allele.
Comment: FSIP2: BP4, BP7

NM_173651.4(FSIP2):c.309A>T (p.Pro103=)

Gene: FSIP2 (fibrous sheath interacting protein 2; plus strand). Cytogenetic location: 2q32.1.
Variant type: single nucleotide variant.
Coding change: c.309A>T on transcript NM_173651.4 (MANE Select); coding-DNA position 309, A replaced by T.
Protein change: p.Pro103=; no amino-acid change (proline 103 retained).
Molecular consequence: synonymous variant.
Genome position (GRCh38, 1-based): chr2:185,743,216, A>T. VCF-style: chr2-185743216-A-T. GRCh37 (hg19) VCF-style: chr2-186607943-A-T.
Identifiers: ClinVar variation 3389116 (VCV003389116.14).